The following is an entry in ClinVar:

ClinVar aggregate classification (germline): Conflicting classifications of pathogenicity. Review status: criteria provided, conflicting classifications (1 of 4 stars). 3 submissions from 3 submitters: Uncertain significance (2); Likely benign (1). Last evaluated 2024-04-01.

Conditions:
Hereditary cancer-predisposing syndrome. Also called: Neoplastic Syndromes, Hereditary; Tumor predisposition; Hereditary Cancer Syndrome; Hereditary neoplastic syndrome. Identifiers: Orphanet 140162, MedGen C0027672, MeSH D009386, MONDO:0015356.

Submissions (3):

Ambry Genetics
Classification: Uncertain significance for Hereditary cancer-predisposing syndrome. Last evaluated: 2024-04-01. Review status: criteria provided, single submitter. Criteria: Ambry Variant Classification Scheme 2023. Collection method: clinical testing. Allele origin: germline.
Comment: The p.T1684N variant (also known as c.5051C>A), located in coding exon 10 of the BRCA2 gene, results from a C to A substitution at nucleotide position 5051. The threonine at codon 1684 is replaced by asparagine, an amino acid with similar properties. This amino acid position is not well conserved in available vertebrate species. In addition, this alteration is predicted to be tolerated by in silico analysis. Based on the available evidence, the clinical significance of this alteration remains unclear.

University of Washington Department of Laboratory Medicine, University of Washington
Classification: Likely benign for Hereditary cancer-predisposing syndrome. Last evaluated: 2023-03-23. Review status: criteria provided, single submitter. Criteria: Dines et al. (Genet Med. 2020). Collection method: curation. Allele origin: germline.
Comment: Missense variant in a coldspot region where missense variants are very unlikely to be pathogenic (PMID:31911673).

BRCA2 exon 11 coldspot. Reclassification based on statistical prior probability.

Color Diagnostics, LLC DBA Color Health
Classification: Uncertain significance for Hereditary cancer-predisposing syndrome. Last evaluated: 2019-05-30. Review status: criteria provided, single submitter. Criteria: ACMG Guidelines, 2015. Collection method: clinical testing. Allele origin: germline.

NM_000059.4(BRCA2):c.5051C>A (p.Thr1684Asn)

Gene: BRCA2 (BRCA2 DNA repair associated; plus strand). Cytogenetic location: 13q13.1.
Variant type: single nucleotide variant.
Coding change: c.5051C>A on transcript NM_000059.4 (MANE Select); coding-DNA position 5051, C replaced by A.
Protein change: p.Thr1684Asn; replaces threonine 1684 with asparagine.
Molecular consequence: missense variant.
Genome position (GRCh38, 1-based): chr13:32,339,406, C>A. VCF-style: chr13-32339406-C-A. GRCh37 (hg19) VCF-style: chr13-32913543-C-A.
Other names: short protein forms T1684N.
Identifiers: ClinVar variation 920406 (VCV000920406.5), dbSNP rs80358729, ClinGen allele CA387784022.